The following is an entry in ClinVar:

ClinVar aggregate classification (germline): Conflicting classifications of pathogenicity. Review status: criteria provided, conflicting classifications (1 of 4 stars). 2 submissions from 2 submitters: Uncertain significance (1); Likely benign (1). Last evaluated 2025-08-25.

Allele frequency attached by ClinVar (database versions not stated): gnomAD exomes 0.00001.
gnomAD v4.1: 13 of 1,211,959 alleles (0.0011%); highest among the groups gnomAD compares: East Asian, 0.003%; no homozygotes.

Submissions (2):

Labcorp Genetics (formerly Invitae), Labcorp
Classification: Likely benign. Last evaluated: 2025-08-25. Review status: criteria provided, single submitter. Criteria: Invitae Variant Classification Sherloc (09022015). Collection method: clinical testing. Allele origin: germline.

GeneDx
Classification: Uncertain significance. Last evaluated: 2019-03-28. Review status: criteria provided, single submitter. Criteria: GeneDx Variant Classification Process June 2021. Collection method: clinical testing. Allele origin: germline. Affected: yes.
Comment: Has not been previously published as pathogenic or benign to our knowledge; In silico analysis, which includes splice predictors and evolutionary conservation, suggests this variant may impact gene splicing. In the absence of RNA/functional studies, the actual effect of this sequence change is unknown.

NM_001039591.3(USP9X):c.5727A>G (p.Lys1909=)

Gene: USP9X (ubiquitin specific peptidase 9 X-linked; plus strand). Cytogenetic location: Xp11.4.
Variant type: single nucleotide variant.
Coding change: c.5727A>G on transcript NM_001039591.3 (MANE Select); coding-DNA position 5727, A replaced by G.
Protein change: p.Lys1909=; no amino-acid change (lysine 1909 retained).
Molecular consequence: synonymous variant.
Genome position (GRCh38, 1-based): chrX:41,216,294, A>G. VCF-style: chrX-41216294-A-G. GRCh37 (hg19) VCF-style: chrX-41075547-A-G.
Other names: c.5727A>G, p.Lys1909= (NM_001039590.3).
Identifiers: ClinVar variation 1308388 (VCV001308388.3), dbSNP rs1363096463, ClinGen allele CA516348869.
Genomic context (GRCh38, chrX:41,216,294, plus strand): 5'-TGGAGATGGTGAGAGAAATCGCTGGTATAAATTTGATGATGGTGATGTAACAGAATGTAA[A>G]ATGGATGATGACGAAGAAATGAAAAACCAGTGTTTTGGTGGAGAGTACATGGGAGAAGTG-3'
Protein context (NP_001034680.2, residues 1899-1919): KFDDGDVTEC[Lys1909=]MDDDEEMKNQ